The following is an entry in ClinVar:

ClinVar aggregate classification (germline): Uncertain significance (1 of 4 stars; one submission).

gnomAD v4.1: 9 of 1,613,796 alleles (0.00056%); highest among the groups gnomAD compares: South Asian, 0.0011%; no homozygotes.

Submission:

Labcorp Genetics (formerly Invitae), Labcorp
Classification: Uncertain significance. Last evaluated: 2024-09-10. Review status: criteria provided, single submitter. Criteria: Invitae Variant Classification Sherloc (09022015). Collection method: clinical testing. Allele origin: germline.
Comment: This sequence change replaces arginine, which is basic and polar, with histidine, which is basic and polar, at codon 142 of the CSF1R protein (p.Arg142His). This variant is present in population databases (rs532877119, gnomAD 0.003%). This variant has not been reported in the literature in individuals affected with CSF1R-related conditions. Invitae Evidence Modeling of protein sequence and biophysical properties (such as structural, functional, and spatial information, amino acid conservation, physicochemical variation, residue mobility, and thermodynamic stability) indicates that this missense variant is not expected to disrupt CSF1R protein function with a negative predictive value of 95%. In summary, the available evidence is currently insufficient to determine the role of this variant in disease. Therefore, it has been classified as a Variant of Uncertain Significance.

NM_001288705.3(CSF1R):c.425G>A (p.Arg142His)

Gene: CSF1R (colony stimulating factor 1 receptor; minus strand). Cytogenetic location: 5q32.
Variant type: single nucleotide variant.
Coding change: c.425G>A on transcript NM_001288705.3 (MANE Select); coding-DNA position 425, G replaced by A.
Protein change: p.Arg142His; replaces arginine 142 with histidine.
Molecular consequence: missense variant. On other transcripts: 5 prime UTR variant (1), non-coding transcript variant (2).
Genome position (GRCh38, 1-based): chr5:150,080,219, C>T on the plus strand (G>A on the coding strand, the complement: CSF1R is on the minus strand). VCF-style: chr5-150080219-C-T. GRCh37 (hg19) VCF-style: chr5-149459782-C-T.
Other names: c.425G>A, p.Arg142His (NM_001349736.2, NM_001375320.1, NM_005211.4); c.-20G>A (NM_001375321.1); short protein forms R142H.
Identifiers: ClinVar variation 3617880 (VCV003617880.2).